The following is an entry in ClinVar:

NM_000039.3(APOA1):c.516G>T (p.Met172Ile)

Gene: APOA1 (apolipoprotein A1; minus strand). Cytogenetic location: 11q23.3.
Variant type: single nucleotide variant.
Coding change: c.516G>T on transcript NM_000039.3 (MANE Select); coding-DNA position 516, G replaced by T.
Protein change: p.Met172Ile; replaces methionine 172 with isoleucine.
Molecular consequence: missense variant.
Genome position (GRCh38, 1-based): chr11:116,836,096, C>A on the plus strand (G>T on the coding strand, the complement: APOA1 is on the minus strand). VCF-style: chr11-116836096-C-A. GRCh37 (hg19) VCF-style: chr11-116706812-C-A.
Other names: c.516G>T, p.Met172Ile (NM_001318017.2, NM_001318018.2); c.189G>T, p.Met63Ile (NM_001318021.2); short protein forms M172I, M63I.
Identifiers: ClinVar variation 1972237 (VCV001972237.5), dbSNP rs2540289159, ClinGen allele CA382715375.

ClinVar aggregate classification (germline): Uncertain significance (1 of 4 stars; one submission).

Submission:

Labcorp Genetics (formerly Invitae), Labcorp
Classification: Uncertain significance. Last evaluated: 2022-04-12. Review status: criteria provided, single submitter. Criteria: Invitae Variant Classification Sherloc (09022015). Collection method: clinical testing. Allele origin: germline.
Comment: In summary, the available evidence is currently insufficient to determine the role of this variant in disease. Therefore, it has been classified as a Variant of Uncertain Significance. Algorithms developed to predict the effect of missense changes on protein structure and function output the following: SIFT: "Not Available"; PolyPhen-2: "Benign"; Align-GVGD: "Not Available". The isoleucine amino acid residue is found in multiple mammalian species, which suggests that this missense change does not adversely affect protein function. This variant has not been reported in the literature in individuals affected with APOA1-related conditions. This variant is not present in population databases (gnomAD no frequency). This sequence change replaces methionine, which is neutral and non-polar, with isoleucine, which is neutral and non-polar, at codon 172 of the APOA1 protein (p.Met172Ile).